The following is an entry in ClinVar:

ClinVar aggregate classification (germline): Uncertain significance (1 of 4 stars; one submission).

Submission:

Ambry Genetics
Classification: Uncertain significance. Last evaluated: 2024-09-01. Review status: criteria provided, single submitter. Criteria: Ambry Variant Classification Scheme 2023. Collection method: clinical testing. Allele origin: germline.
Comment: The p.D1531N variant (also known as c.4591G>A), located in coding exon 16 of the POLQ gene, results from a G to A substitution at nucleotide position 4591. The aspartic acid at codon 1531 is replaced by asparagine, an amino acid with highly similar properties. This amino acid position is conserved. In addition, this alteration is predicted to be tolerated by in silico analysis. Based on the available evidence, the clinical significance of this variant remains unclear.

NM_199420.4(POLQ):c.4591G>A (p.Asp1531Asn)

Gene: POLQ (DNA polymerase theta; minus strand). Cytogenetic location: 3q13.33.
Variant type: single nucleotide variant.
Coding change: c.4591G>A on transcript NM_199420.4 (MANE Select); coding-DNA position 4591, G replaced by A.
Protein change: p.Asp1531Asn; replaces aspartic acid 1531 with asparagine.
Molecular consequence: missense variant.
Genome position (GRCh38, 1-based): chr3:121,488,340, C>T on the plus strand (G>A on the coding strand, the complement: POLQ is on the minus strand). VCF-style: chr3-121488340-C-T. GRCh37 (hg19) VCF-style: chr3-121207187-C-T.
Other names: short protein forms D1531N.
Identifiers: ClinVar variation 3422524 (VCV003422524.1).
Genomic context (GRCh38, chr3:121,488,340, plus strand): 5'-AACAAGTCAACTGCTGGTGGGTATCTTGATTCTCATTTACATTTGATTTTTTAATTAGGT[C>T]TTCTTGTAGACACAGAGAATCACTAAAATGGTTTGATGTTACTTCTGAAGGAAGGGGTTC-3'
Protein context (NP_955452.3, residues 1521-1541): HFSDSLCLQE[Asp1531Asn]LIKKSNVNEN